The following is an entry in ClinVar:

ClinVar aggregate classification (germline): Uncertain significance (1 of 4 stars; one submission).

Submission:

Ambry Genetics
Classification: Uncertain significance. Last evaluated: 2024-10-30. Review status: criteria provided, single submitter. Criteria: Ambry Variant Classification Scheme 2023. Collection method: clinical testing. Allele origin: germline.
Comment: The p.A819G variant (also known as c.2456C>G), located in coding exon 15 of the POLQ gene, results from a C to G substitution at nucleotide position 2456. The alanine at codon 819 is replaced by glycine, an amino acid with similar properties. This amino acid position is conserved. In addition, this alteration is predicted to be tolerated by in silico analysis. Based on the available evidence, the clinical significance of this variant remains unclear.

NM_199420.4(POLQ):c.2456C>G (p.Ala819Gly)

Gene: POLQ (DNA polymerase theta; minus strand). Cytogenetic location: 3q13.33.
Variant type: single nucleotide variant.
Coding change: c.2456C>G on transcript NM_199420.4 (MANE Select); coding-DNA position 2456, C replaced by G.
Protein change: p.Ala819Gly; replaces alanine 819 with glycine.
Molecular consequence: missense variant.
Genome position (GRCh38, 1-based): chr3:121,493,544, G>C on the plus strand (C>G on the coding strand, the complement: POLQ is on the minus strand). VCF-style: chr3-121493544-G-C. GRCh37 (hg19) VCF-style: chr3-121212391-G-C.
Other names: short protein forms A819G.
Identifiers: ClinVar variation 3422633 (VCV003422633.1).